The following is an entry in ClinVar:

NM_001384140.1(PCDH15):c.1469G>C (p.Ser490Thr)

Gene: PCDH15 (protocadherin related 15; minus strand). Cytogenetic location: 10q21.1.
Variant type: single nucleotide variant.
Coding change: c.1469G>C on transcript NM_001384140.1 (MANE Select); coding-DNA position 1469, G replaced by C.
Protein change: p.Ser490Thr; replaces serine 490 with threonine.
Molecular consequence: missense variant.
Genome position (GRCh38, 1-based): chr10:54,183,565, C>G on the plus strand (G>C on the coding strand, the complement: PCDH15 is on the minus strand). VCF-style: chr10-54183565-C-G. GRCh37 (hg19) VCF-style: chr10-55943325-C-G.
Other names: c.1484G>C, p.Ser495Thr (NM_001142763.2, NM_001142771.2); c.1469G>C, p.Ser490Thr (NM_001142764.2, NM_001142765.2, NM_001142766.2 and 6 more transcripts); c.1358G>C, p.Ser453Thr (NM_001142767.2); c.1403G>C, p.Ser468Thr (NM_001142768.2, NM_001142773.2, NM_001354404.2); c.1505G>C, p.Ser502Thr (NM_001142769.4); c.1490G>C, p.Ser497Thr (NM_001354411.2); short protein forms S490T, S453T, S468T, S497T, S502T, S495T.
Identifiers: ClinVar variation 1374097 (VCV001374097.5), dbSNP rs139018592, ClinGen allele CA5506364.

ClinVar aggregate classification (germline): Uncertain significance (1 of 4 stars; one submission).

Allele frequency attached by ClinVar (database versions not stated): gnomAD exomes below 0.00001 and 0.00001; ExAC 0.00001; gnomAD 0.00001; TOPMed 0.00003; ESP Exome Variant Server 0.00008.
gnomAD v4.1: 6 of 1,613,830 alleles (0.00037%); highest among the groups gnomAD compares: African/African-American, 0.008%; no homozygotes.

Submission:

Labcorp Genetics (formerly Invitae), Labcorp
Classification: Uncertain significance. Last evaluated: 2024-02-24. Review status: criteria provided, single submitter. Criteria: Invitae Variant Classification Sherloc (09022015). Collection method: clinical testing. Allele origin: germline.
Comment: This sequence change replaces serine, which is neutral and polar, with threonine, which is neutral and polar, at codon 490 of the PCDH15 protein (p.Ser490Thr). This variant is present in population databases (rs139018592, gnomAD 0.01%). This variant has not been reported in the literature in individuals affected with PCDH15-related conditions. ClinVar contains an entry for this variant (Variation ID: 1374097). Advanced modeling of protein sequence and biophysical properties (such as structural, functional, and spatial information, amino acid conservation, physicochemical variation, residue mobility, and thermodynamic stability) has been performed at Invitae for this missense variant, however the output from this modeling did not meet the statistical confidence thresholds required to predict the impact of this variant on PCDH15 protein function. In summary, the available evidence is currently insufficient to determine the role of this variant in disease. Therefore, it has been classified as a Variant of Uncertain Significance.